The following is an entry in ClinVar:

NM_182977.3(NNT):c.2996-3T>C

Gene: NNT (nicotinamide nucleotide transhydrogenase; plus strand). Cytogenetic location: 5p12.
Variant type: single nucleotide variant.
Coding change: c.2996-3T>C on transcript NM_182977.3 (MANE Select); 3 bases into the intron before coding-DNA position 2996, T replaced by C.
Molecular consequence: intron variant.
Genome position (GRCh38, 1-based): chr5:43,702,618, T>C. VCF-style: chr5-43702618-T-C. GRCh37 (hg19) VCF-style: chr5-43702720-T-C.
Other names: c.2996-3T>C (NM_012343.4); c.2603-3T>C (NM_001331026.2).
Identifiers: ClinVar variation 2040341 (VCV002040341.4), dbSNP rs1195045856, ClinGen allele CA558865697.

ClinVar aggregate classification (germline): Uncertain significance (1 of 4 stars; one submission).

Allele frequency attached by ClinVar (database versions not stated): gnomAD exomes 0.00001.
gnomAD v4.1: 9 of 1,582,718 alleles (0.00057%); highest among the groups gnomAD compares: Non-Finnish European, 0.00078%; no homozygotes.

Submission:

Labcorp Genetics (formerly Invitae), Labcorp
Classification: Uncertain significance. Last evaluated: 2022-07-18. Review status: criteria provided, single submitter. Criteria: Invitae Variant Classification Sherloc (09022015). Collection method: clinical testing. Allele origin: germline.
Comment: In summary, the available evidence is currently insufficient to determine the role of this variant in disease. Therefore, it has been classified as a Variant of Uncertain Significance. Variants that disrupt the consensus splice site are a relatively common cause of aberrant splicing (PMID: 17576681, 9536098). Algorithms developed to predict the effect of sequence changes on RNA splicing suggest that this variant is not likely to affect RNA splicing. This variant has not been reported in the literature in individuals affected with NNT-related conditions. The frequency data for this variant in the population databases is considered unreliable, as metrics indicate poor data quality at this position in the gnomAD database. This sequence change falls in intron 20 of the NNT gene. It does not directly change the encoded amino acid sequence of the NNT protein. It affects a nucleotide within the consensus splice site.

Literature cited by the submitters: PubMed 17576681; PubMed 9536098.